The following is an entry in ClinVar:

ClinVar aggregate classification (germline): Uncertain significance (1 of 4 stars; one submission).

Conditions:
Osteogenesis imperfecta type 8 (OI8). Identifiers: MedGen C1970458, MONDO:0012581, OMIM 610915.

Submission:

Labcorp Genetics (formerly Invitae), Labcorp
Classification: Uncertain significance for Osteogenesis imperfecta type 8. Last evaluated: 2021-11-01. Review status: criteria provided, single submitter. Criteria: Invitae Variant Classification Sherloc (09022015). Collection method: clinical testing. Allele origin: germline.
Comment: In summary, the available evidence is currently insufficient to determine the role of this variant in disease. Therefore, it has been classified as a Variant of Uncertain Significance. Algorithms developed to predict the effect of missense changes on protein structure and function (SIFT, PolyPhen-2, Align-GVGD) all suggest that this variant is likely to be tolerated. This variant has not been reported in the literature in individuals affected with P3H1-related conditions. This variant is not present in population databases (gnomAD no frequency). This sequence change replaces leucine, which is neutral and non-polar, with arginine, which is basic and polar, at codon 598 of the P3H1 protein (p.Leu598Arg).

NM_022356.4(P3H1):c.1793T>G (p.Leu598Arg)

Gene: P3H1 (prolyl 3-hydroxylase 1; minus strand). Cytogenetic location: 1p34.2.
Variant type: single nucleotide variant.
Coding change: c.1793T>G on transcript NM_022356.4 (MANE Select); coding-DNA position 1793, T replaced by G.
Protein change: p.Leu598Arg; replaces leucine 598 with arginine.
Molecular consequence: missense variant.
Genome position (GRCh38, 1-based): chr1:42,748,245, A>C on the plus strand (T>G on the coding strand, the complement: P3H1 is on the minus strand). VCF-style: chr1-42748245-A-C. GRCh37 (hg19) VCF-style: chr1-43213916-A-C.
Other names: c.1793T>G, p.Leu598Arg (NM_001146289.2, NM_001243246.2); short protein forms L598R.
Identifiers: ClinVar variation 1400977 (VCV001400977.6), dbSNP rs2124082697, ClinGen allele CA339954229.
Genomic context (GRCh38, chr1:42,748,245, plus strand): 5'-CTGCCCCGCACTCACCTGTAGTCGCGGAAGGTGTAGGCTGGGGGCTCTTTGACACACACG[A>C]GGGTCTCGGCATTCAGGATGCAGTTGTCCACGTGGACTGGATGACTATCATCCTTCCTCT-3'
Protein context (NP_071751.3, residues 588-608): VDNCILNAET[Leu598Arg]VCVKEPPAYT